The following is an entry in ClinVar:

NM_002637.4(PHKA1):c.238-2A>T

Genes: PHKA1 (phosphorylase kinase regulatory subunit alpha 1; minus strand), PHKA1-AS1 (PHKA1 antisense RNA 1; plus strand). Cytogenetic location: Xq13.1.
Variant type: single nucleotide variant.
Coding change: c.238-2A>T on transcript NM_002637.4 (MANE Select); the canonical splice acceptor site of the intron before coding-DNA position 238, A replaced by T.
Molecular consequence: splice acceptor variant.
Genome position (GRCh38, 1-based): chrX:72,705,247, T>A on the plus strand (A>T on the coding strand, the complement: PHKA1 is on the minus strand). VCF-style: chrX-72705247-T-A. GRCh37 (hg19) VCF-style: chrX-71925096-T-A.
Other names: c.238-2A>T (NM_001172436.2, NM_001122670.2).
Identifiers: ClinVar variation 2017926 (VCV002017926.4), dbSNP rs2522850255, ClinGen allele CA413640777.

ClinVar aggregate classification (germline): Likely pathogenic (1 of 4 stars; one submission).

Conditions:
Glycogen storage disease IXd (GSD9D). Also called: GSD IXd; Muscle Phosphorylase Kinase Deficiency. Identifiers: Orphanet 715, MedGen C1845151, MONDO:0010362, OMIM 300559.

Submission:

Labcorp Genetics (formerly Invitae), Labcorp
Classification: Likely pathogenic for Glycogen storage disease IXd. Last evaluated: 2022-07-17. Review status: criteria provided, single submitter. Criteria: Invitae Variant Classification Sherloc (09022015). Collection method: clinical testing. Allele origin: germline.
Comment: This variant is not present in population databases (gnomAD no frequency). In summary, the currently available evidence indicates that the variant is pathogenic, but additional data are needed to prove that conclusively. Therefore, this variant has been classified as Likely Pathogenic. Algorithms developed to predict the effect of sequence changes on RNA splicing suggest that this variant may disrupt the consensus splice site. This variant has not been reported in the literature in individuals affected with PHKA1-related conditions. This sequence change affects an acceptor splice site in intron 2 of the PHKA1 gene. It is expected to disrupt RNA splicing. Variants that disrupt the donor or acceptor splice site typically lead to a loss of protein function (PMID: 16199547), and loss-of-function variants in PHKA1 are known to be pathogenic (PMID: 9731190, 15637709).

Literature cited by the submitters: PubMed 16199547; PubMed 9731190; PubMed 15637709.